The following is an entry in ClinVar:

ClinVar aggregate classification (germline): Likely pathogenic (1 of 4 stars; one submission).

Conditions:
Microcephaly with or without chorioretinopathy, lymphedema, or impaired intellectual development. Also called: MICROCEPHALY AND CHORIORETINOPATHY WITH OR WITHOUT MENTAL RETARDATION, AUTOSOMAL DOMINANT; MICROCEPHALY, LYMPHEDEMA, CHORIORETINAL DYSPLASIA SYNDROME; Microcephaly lymphedema chorioretinal dysplasia; Microcephaly with or without chorioretinopathy, lymphedema, or mental retardation; Microcephaly with or without chorioretinopathy, lymphedema, or intellectual disability. Identifiers: Orphanet 2526, MedGen C1835265, MONDO:0007918, OMIM 152950.

Submission:

Molecular Genetics Department, Kulakov National Medical Research Center for Obstetrics, Gynecology and Perinatology
Classification: Likely pathogenic for Microcephaly with or without chorioretinopathy, lymphedema, or impaired intellectual development. Review status: criteria provided, single submitter. Criteria: ACMG Guidelines, 2015. Collection method: clinical testing. Allele origin: germline. Affected: yes.
Comment: A previously undescribed nucleotide variant creates a premature translation stop signal p.Gln449Ter in the KIF11 gene. Loss-of-function variants are reported in patients with Microcephaly with or without chorioretinopathy, lymphedema, or impaired intellectual development, 152950. The variant is not present in population database (gnomAD no frequency). In summary, the currently available evidence indicates that the variant is pathogenic, but additional data are needed to prove that conclusively. Therefore, this variant has been classified as likely pathogenic.

NM_004523.4(KIF11):c.1345C>T (p.Gln449Ter)

Gene: KIF11 (kinesin family member 11; plus strand). Cytogenetic location: 10q23.33.
Variant type: single nucleotide variant.
Coding change: c.1345C>T on transcript NM_004523.4 (MANE Select); coding-DNA position 1345, C replaced by T.
Protein change: p.Gln449Ter; replaces glutamine 449 with a stop codon.
Molecular consequence: nonsense.
Genome position (GRCh38, 1-based): chr10:92,630,215, C>T. VCF-style: chr10-92630215-C-T. GRCh37 (hg19) VCF-style: chr10-94389972-C-T.
Other names: short protein forms Q449*.
Identifiers: ClinVar variation 3062326 (VCV003062326.1), dbSNP rs2492515124, ClinGen allele CA377591666.